The following is an entry in ClinVar:

NM_017950.4(CCDC40):c.1131C>T (p.Cys377=)

Gene: CCDC40 (coiled-coil domain 40 molecular ruler complex subunit; plus strand). Cytogenetic location: 17q25.3.
Variant type: single nucleotide variant.
Coding change: c.1131C>T on transcript NM_017950.4 (MANE Select); coding-DNA position 1131, C replaced by T.
Protein change: p.Cys377=; no amino-acid change (cysteine 377 retained).
Molecular consequence: synonymous variant.
Genome position (GRCh38, 1-based): chr17:80,050,255, C>T. VCF-style: chr17-80050255-C-T. GRCh37 (hg19) VCF-style: chr17-78024054-C-T.
Other names: p.Cys377=; c.1131C>T, p.Cys377= (NM_001243342.2, NM_001330508.2).
Identifiers: ClinVar variation 226486 (VCV000226486.26), dbSNP rs74692882, ClinGen allele CA8813691.
Genomic context (GRCh38, chr17:80,050,255, plus strand): 5'-CGAGCGCAGGCAGAAGGAGGAGGAGCTGCAGGCCGCCCGCGCTCTCTACACCAAGACCTG[C>T]GCAGCCGCCAACGAGGAGCGCAAAAAGTGTAAGGCAACCCGGCAGCCCCACACGCCATCC-3'
Protein context (NP_060420.2, residues 367-387): QAARALYTKT[Cys377=]AAANEERKKL

ClinVar aggregate classification (germline): Benign. Review status: criteria provided, multiple submitters, no conflicts (2 of 4 stars). 9 submissions from 9 submitters: Benign (9). Last evaluated 2026-01-28.

Conditions:
Primary ciliary dyskinesia. Also called: Ciliary dyskinesia. Identifiers: Orphanet 244, MedGen C0008780, MONDO:0016575, HP:0012265.
Primary ciliary dyskinesia 15. Also called: CILIARY DYSKINESIA, PRIMARY, 15, WITH OR WITHOUT SITUS INVERSUS. Identifiers: Orphanet 244, MedGen C3151137, MONDO:0013435, OMIM 613808.

Allele frequency attached by ClinVar (database versions not stated): gnomAD exomes 0.00144 and 0.00351; ExAC 0.00676; ESP Exome Variant Server 0.01433; gnomAD 0.01492 and 0.01622; 1000 Genomes Project 0.01577; 1000 Genomes Project 30x 0.01671; TOPMed 0.01693.
gnomAD v4.1: 4,396 of 1,583,052 alleles (0.28%); highest among the groups gnomAD compares: African/African-American, 5.3%; 108 homozygotes.

Submissions (9):

Labcorp Genetics (formerly Invitae), Labcorp
Classification: Benign for Primary ciliary dyskinesia. Last evaluated: 2026-01-28. Review status: criteria provided, single submitter. Criteria: Invitae Variant Classification Sherloc (09022015). Collection method: clinical testing. Allele origin: germline.

ARUP Laboratories, Molecular Genetics and Genomics, ARUP Laboratories
Classification: Benign for Primary ciliary dyskinesia 15. Last evaluated: 2025-02-14. Review status: criteria provided, single submitter. Criteria: ARUP Molecular Germline Variant Investigation Process 2024. Collection method: clinical testing. Allele origin: germline.

Mayo Clinic Laboratories, Mayo Clinic
Classification: Benign. Last evaluated: 2023-12-31. Review status: criteria provided, single submitter. Criteria: ACMG Guidelines, 2015. Collection method: clinical testing. Allele origin: germline. Observed: 3 variant alleles.

GeneDx
Classification: Benign. Last evaluated: 2018-07-09. Review status: criteria provided, single submitter. Criteria: GeneDx Variant Classification Process June 2021. Collection method: clinical testing. Allele origin: germline. Affected: yes.

Illumina Laboratory Services, Illumina
Classification: Benign for Primary ciliary dyskinesia 15. Last evaluated: 2018-01-13. Review status: criteria provided, single submitter. Criteria: ICSL Variant Classification Criteria 13 December 2019. Collection method: clinical testing. Allele origin: germline.
Comment: This variant was observed in the ICSL laboratory as part of a predisposition screen in an ostensibly healthy population. It had not been previously curated by ICSL or reported in the Human Gene Mutation Database (HGMD: prior to June 1st, 2018), and was therefore a candidate for classification through an automated scoring system. Utilizing variant allele frequency, disease prevalence and penetrance estimates, and inheritance mode, an automated score was calculated to assess if this variant is too frequent to cause the disease. Based on the score and internal cut-off values, a variant classified as benign is not then subjected to further curation. The score for this variant resulted in a classification of benign for this disease.

Ambry Genetics
Classification: Benign for Primary ciliary dyskinesia. Last evaluated: 2017-03-13. Review status: criteria provided, single submitter. Criteria: Ambry Variant Classification Scheme 2023. Collection method: clinical testing. Allele origin: germline.

Laboratory for Molecular Medicine, Mass General Brigham Personalized Medicine
Classification: Benign. Last evaluated: 2013-02-21. Review status: criteria provided, single submitter. Criteria: LMM Criteria. Collection method: clinical testing. Allele origin: germline. Observed: 2 variant alleles.
Comment: Cys377Cys in exon 7 of CCDC40: This variant is not expected to have clinical sig nificance because it does not alter an amino acid residue and is not located wit hin the splice consensus sequence. It has been identified in 4.3% (177/4126) of African American chromosomes from a broad population by the NHLBI Exome Sequenci ng Project (dbSNP rs74692882).

Breakthrough Genomics
Classification: Benign. Review status: criteria provided, single submitter. Criteria: ACMG Guidelines, 2015. Collection method: not provided. Allele origin: germline. Inheritance: Autosomal recessive inheritance. Affected: yes.

PreventionGenetics, part of Exact Sciences
Classification: Benign. Review status: criteria provided, single submitter. Criteria: ACMG Guidelines, 2015. Collection method: clinical testing. Allele origin: germline.